The following is an entry in ClinVar:

NM_001122764.3(PPOX):c.1154C>T (p.Ser385Phe)

Gene: PPOX (protoporphyrinogen oxidase; plus strand). Cytogenetic location: 1q23.3.
Variant type: single nucleotide variant.
Coding change: c.1154C>T on transcript NM_001122764.3 (MANE Select); coding-DNA position 1154, C replaced by T.
Protein change: p.Ser385Phe; replaces serine 385 with phenylalanine.
Molecular consequence: missense variant.
Genome position (GRCh38, 1-based): chr1:161,170,675, C>T. VCF-style: chr1-161170675-C-T. GRCh37 (hg19) VCF-style: chr1-161140465-C-T.
Other names: c.1154C>T, p.Ser385Phe (NM_000309.5, NM_001365398.1); c.1055C>T, p.Ser352Phe (NM_001350128.2); c.746C>T, p.Ser249Phe (NM_001350129.2, NM_001365400.1); c.668C>T, p.Ser223Phe (NM_001350130.2, NM_001350131.2, NM_001365401.1); c.1043C>T, p.Ser348Phe (NM_001365399.1); short protein forms S223F, S352F, S348F, S385F, S249F.
Identifiers: ClinVar variation 2102031 (VCV002102031.4), dbSNP rs1484062472, ClinGen allele CA343357940.

ClinVar aggregate classification (germline): Uncertain significance (1 of 4 stars; one submission).

gnomAD v4.1: 2 of 1,614,148 alleles (0.00012%); highest among the groups gnomAD compares: South Asian, 0.0011%; no homozygotes.

Submission:

Labcorp Genetics (formerly Invitae), Labcorp
Classification: Uncertain significance. Last evaluated: 2022-02-22. Review status: criteria provided, single submitter. Criteria: Invitae Variant Classification Sherloc (09022015). Collection method: clinical testing. Allele origin: germline.
Comment: In summary, the available evidence is currently insufficient to determine the role of this variant in disease. Therefore, it has been classified as a Variant of Uncertain Significance. Algorithms developed to predict the effect of sequence changes on RNA splicing suggest that this variant may create or strengthen a splice site. Algorithms developed to predict the effect of missense changes on protein structure and function (SIFT, PolyPhen-2, Align-GVGD) all suggest that this variant is likely to be disruptive. This missense change has been observed in individual(s) with clinical features of porphyria variegata (Invitae). This variant is present in population databases (no rsID available, gnomAD 0.003%). This sequence change replaces serine, which is neutral and polar, with phenylalanine, which is neutral and non-polar, at codon 385 of the PPOX protein (p.Ser385Phe).